The following is an entry in ClinVar:

NM_004055.5(CAPN5):c.1728del (p.Ile577fs)

Gene: CAPN5 (calpain 5; plus strand). Cytogenetic location: 11q13.5.
Variant type: Deletion.
Coding change: c.1728del on transcript NM_004055.5 (MANE Select); coding-DNA position 1728, one base deleted (C; older notation c.1728delC).
Protein change: p.Ile577fs; shifts the reading frame from isoleucine 577.
Molecular consequence: frameshift variant.
Genome position (GRCh38, 1-based): chr11:77,122,700, C deleted; the last of 3 consecutive C bases (chr11:77,122,698-77,122,700); deleting any one gives the same sequence. VCF-style (leftmost placement, unchanged base first): chr11-77122697-GC-G. GRCh37 (hg19) VCF-style: chr11-76833743-GC-G.
Other names: short protein forms I577fs.
Identifiers: ClinVar variation 1021891 (VCV001021891.8), dbSNP rs1442639701, ClinGen allele CA600341623.

ClinVar aggregate classification (germline): Uncertain significance (1 of 4 stars; one submission).

Submission:

Labcorp Genetics (formerly Invitae), Labcorp
Classification: Uncertain significance. Last evaluated: 2022-03-29. Review status: criteria provided, single submitter. Criteria: Invitae Variant Classification Sherloc (09022015). Collection method: clinical testing. Allele origin: germline.
Comment: In summary, the available evidence is currently insufficient to determine the role of this variant in disease. Therefore, it has been classified as a Variant of Uncertain Significance. Experimental studies and prediction algorithms are not available or were not evaluated, and the functional significance of this variant is currently unknown. ClinVar contains an entry for this variant (Variation ID: 1021891). This variant has not been reported in the literature in individuals affected with CAPN5-related conditions. This variant is present in population databases (no rsID available, gnomAD 0.0009%). This sequence change creates a premature translational stop signal (p.Ile577Serfs*11) in the CAPN5 gene. While this is not anticipated to result in nonsense mediated decay, it is expected to disrupt the last 64 amino acid(s) of the CAPN5 protein.